The following is an entry in ClinVar:

NM_020884.7(MYH7B):c.3164C>A (p.Thr1055Lys)

Gene: MYH7B (myosin heavy chain 7B; plus strand). Cytogenetic location: 20q11.22.
Variant type: single nucleotide variant.
Coding change: c.3164C>A on transcript NM_020884.7 (MANE Select); coding-DNA position 3164, C replaced by A.
Protein change: p.Thr1055Lys; replaces threonine 1055 with lysine.
Molecular consequence: missense variant.
Genome position (GRCh38, 1-based): chr20:34,996,656, C>A. VCF-style: chr20-34996656-C-A. GRCh37 (hg19) VCF-style: chr20-33584459-C-A.
Other names: short protein forms T1055K.
Identifiers: ClinVar variation 1484391 (VCV001484391.6), dbSNP rs375471737, ClinGen allele CA408710114.
Genomic context (GRCh38, chr20:34,996,656, plus strand): 5'-CTGTGCCTGCTCTGCAGCTGGAATGCTCCCTGGAGCAGGAGAAGAAGCTGCGCATGGACA[C>A]GGAGCGGGCCAAGCGCAAGCTGGAGGGTGACCTGAAGCTGACGCAGGAGTCGGTGGCTGA-3'
Protein context (NP_065935.4, residues 1045-1065): LEQEKKLRMD[Thr1055Lys]ERAKRKLEGD

ClinVar aggregate classification (germline): Uncertain significance (1 of 4 stars; one submission).

gnomAD v4.1: 4 of 1,613,316 alleles (0.00025%); highest among the groups gnomAD compares: Non-Finnish European, 0.00034%; no homozygotes.

Submission:

Labcorp Genetics (formerly Invitae), Labcorp
Classification: Uncertain significance. Last evaluated: 2022-01-03. Review status: criteria provided, single submitter. Criteria: Invitae Variant Classification Sherloc (09022015). Collection method: clinical testing. Allele origin: germline.
Comment: In summary, the available evidence is currently insufficient to determine the role of this variant in disease. Therefore, it has been classified as a Variant of Uncertain Significance. Algorithms developed to predict the effect of missense changes on protein structure and function are either unavailable or do not agree on the potential impact of this missense change (SIFT: "Deleterious"; PolyPhen-2: "Benign"; Align-GVGD: "Class C15"). This variant has not been reported in the literature in individuals affected with MYH7B-related conditions. This variant is not present in population databases (gnomAD no frequency). This sequence change replaces threonine, which is neutral and polar, with lysine, which is basic and polar, at codon 1097 of the MYH7B protein (p.Thr1097Lys).